The following is an entry in ClinVar:

ClinVar aggregate classification (germline): Uncertain significance (1 of 4 stars; one submission).

Conditions:
GFI1B-related disorder. Also called: GFI1B-related condition.

Submission:

PreventionGenetics, part of Exact Sciences
Classification: Uncertain significance for GFI1B-related condition. Last evaluated: 2026-05-18. Review status: criteria provided, single submitter. Criteria: ACMG Guidelines, 2015. Collection method: clinical testing. Allele origin: germline.
Comment: The GFI1B c.193G>A variant is predicted to result in the amino acid substitution p.Glu65Lys. To our knowledge, this variant has not been reported in the literature or in a large population database (gnomAD), indicating this variant is rare. At this time, the clinical significance of this variant is uncertain due to the absence of conclusive functional and genetic evidence.

NM_001377304.1(GFI1B):c.193G>A (p.Glu65Lys)

Gene: GFI1B (growth factor independent 1B transcriptional repressor; plus strand). Cytogenetic location: 9q34.13.
Variant type: single nucleotide variant.
Coding change: c.193G>A on transcript NM_001377304.1 (MANE Select); coding-DNA position 193, G replaced by A.
Protein change: p.Glu65Lys; replaces glutamic acid 65 with lysine.
Molecular consequence: missense variant.
Genome position (GRCh38, 1-based): chr9:132,987,374, G>A. VCF-style: chr9-132987374-G-A. GRCh37 (hg19) VCF-style: chr9-135862761-G-A.
Other names: c.193G>A, p.Glu65Lys (NM_001135031.2, NM_001371908.1, NM_001377305.1 and 1 more transcripts); short protein forms E65K.
Identifiers: ClinVar variation 4982522 (VCV004982522.1).
Genomic context (GRCh38, chr9:132,987,374, plus strand): 5'-GTCCTTAGCACTCTATTCCCAAACCAGTGCCTGGACTGGACCAACCTCAAACGAGAGCCG[G>A]AGCTGGAGCAGGACCAGAACTTGGCCAGGATGGCCCCGGCACCAGGTACCCCGCTGTGAC-3'
Protein context (NP_001364233.1, residues 55-75): LDWTNLKREP[Glu65Lys]LEQDQNLARM